The following is an entry in ClinVar:

ClinVar aggregate classification (germline): Benign. Review status: criteria provided, multiple submitters, no conflicts (2 of 4 stars). 2 submissions from 2 submitters: Benign (2). Last evaluated 2018-06-14.

Allele frequency attached by ClinVar (database versions not stated): TOPMed 0.18352; gnomAD 0.18839 and 0.19932; 1000 Genomes Project 30x 0.23938; 1000 Genomes Project 0.25020.
gnomAD v4.1: 349,784 of 1,391,868 alleles (25%); highest among the groups gnomAD compares: East Asian, 49%; 47,265 homozygotes.

Submissions (2):

GeneDx
Classification: Benign. Last evaluated: 2018-06-14. Review status: criteria provided, single submitter. Criteria: GeneDx Variant Classification (06012015). Collection method: clinical testing. Allele origin: germline. Affected: yes.
Comment: This variant is considered likely benign or benign based on one or more of the following criteria: it is a conservative change, it occurs at a poorly conserved position in the protein, it is predicted to be benign by multiple in silico algorithms, and/or has population frequency not consistent with disease.

Breakthrough Genomics
Classification: Benign. Review status: criteria provided, single submitter. Criteria: ACMG Guidelines, 2015. Collection method: not provided. Allele origin: germline. Inheritance: Autosomal recessive inheritance. Affected: yes.

NM_213595.4(ISCU):c.419-239G>A

Gene: ISCU (iron-sulfur cluster assembly enzyme; plus strand). Cytogenetic location: 12q23.3.
Variant type: single nucleotide variant.
Coding change: c.419-239G>A on transcript NM_213595.4 (MANE Select); 239 bases into the intron before coding-DNA position 419, G replaced by A.
Molecular consequence: intron variant. On other transcripts: 3 prime UTR variant (1).
Genome position (GRCh38, 1-based): chr12:108,568,592, G>A. VCF-style: chr12-108568592-G-A. GRCh37 (hg19) VCF-style: chr12-108962368-G-A.
Other names: c.*888G>A (NM_001320042.1); c.344-239G>A (NM_014301.4); c.*40-239G>A (NM_001301140.1); c.*45-239G>A (NM_001301141.1).
Identifiers: ClinVar variation 681977 (VCV000681977.2), dbSNP rs880844, ClinGen allele CA13601372.